The following is an entry in ClinVar:

ClinVar aggregate classification (germline): Uncertain significance (1 of 4 stars; one submission).

Submission:

Labcorp Genetics (formerly Invitae), Labcorp
Classification: Uncertain significance. Last evaluated: 2022-07-03. Review status: criteria provided, single submitter. Criteria: Invitae Variant Classification Sherloc (09022015). Collection method: clinical testing. Allele origin: germline.
Comment: This variant, c.2601_2624del, results in the deletion of 8 amino acid(s) of the SLC24A1 protein (p.Gln869_Glu876del), but otherwise preserves the integrity of the reading frame. This variant is present in population databases (rs751090376, gnomAD 0.009%). This variant has not been reported in the literature in individuals affected with SLC24A1-related conditions. Experimental studies and prediction algorithms are not available or were not evaluated, and the functional significance of this variant is currently unknown. In summary, the available evidence is currently insufficient to determine the role of this variant in disease. Therefore, it has been classified as a Variant of Uncertain Significance.

NM_004727.3(SLC24A1):c.2601_2624del (p.Gln869_Glu876del)

Gene: SLC24A1 (solute carrier family 24 member 1; plus strand). Cytogenetic location: 15q22.31.
Variant type: Deletion.
Coding change: c.2601_2624del on transcript NM_004727.3 (MANE Select); coding-DNA positions 2601 to 2624, 24 bases deleted (AGAGCAGGAGGAAGAGGAGGAGGA).
Protein change: p.Gln869_Glu876del.
Molecular consequence: inframe deletion. On other transcripts: inframe indel (1).
Genome position (GRCh38, 1-based): chr15:65,650,750-65,650,773, AGAGCAGGAGGAAGAGGAGGAGGA deleted; deleting any 24 consecutive bases within chr15:65,650,731-65,650,773 gives the same sequence; the c. name uses the placement nearest the transcript's 3' end. VCF-style (leftmost placement, unchanged base first): chr15-65650730-GAGGAGGAAGAGGAGGAGGAAGAGC-G. GRCh37 (hg19) VCF-style: chr15-65943068-GAGGAGGAAGAGGAGGAGGAAGAGC-G.
Other names: c.582_605del, p.Gln196_Glu203del (NM_001254740.2); c.2601_2624del, p.Gln869_Glu876del (NM_001301031.1); c.2547_2570del, p.Gln851_Glu858del (NM_001301032.1, NM_001301033.2); c.2259_2282del24, p.Gln755_Glu762del (NM_001411142.1).
Identifiers: ClinVar variation 2013383 (VCV002013383.1), dbSNP rs751090376, ClinGen allele CA7620150.
Genomic context (GRCh38, chr15:65,650,730, plus strand): 5'-GCCAAAAATGATGAGAAAGGTGTAGAAGATGGAGGGGGAAGTGATGGAGGGGATAGCGAA[GAGGAGGAAGAGGAGGAGGAAGAGC>G]AGGAGGAAGAGGAGGAGGAGGAAGAGCAGGAGGAAGAGGAGGAGGAGGAGGAGGAAGAGG-3'